The following is an entry in ClinVar:

NM_000465.4(BARD1):c.632T>C (p.Leu211Ser)

Gene: BARD1 (BRCA1 associated RING domain 1; minus strand). Cytogenetic location: 2q35.
Variant type: single nucleotide variant.
Coding change: c.632T>C on transcript NM_000465.4 (MANE Select); coding-DNA position 632, T replaced by C.
Protein change: p.Leu211Ser; replaces leucine 211 with serine.
Molecular consequence: missense variant. On other transcripts: non-coding transcript variant (2), intron variant (3).
Genome position (GRCh38, 1-based): chr2:214,781,242, A>G on the plus strand (T>C on the coding strand, the complement: BARD1 is on the minus strand). VCF-style: chr2-214781242-A-G. GRCh37 (hg19) VCF-style: chr2-215645966-A-G.
Other names: c.575T>C, p.Leu192Ser (NM_001282543.2); c.158+28170T>C (NM_001282548.2); c.215+15819T>C (NM_001282545.2); c.364+11055T>C (NM_001282549.2); short protein forms L211S, L192S.
Identifiers: ClinVar variation 186956 (VCV000186956.34), dbSNP rs762171436, ClinGen allele CA196337.

ClinVar aggregate classification (germline): Uncertain significance. Review status: criteria provided, multiple submitters, no conflicts (2 of 4 stars). 9 submissions from 8 submitters: Uncertain significance (7). 2 of the submissions do not count toward it. Last evaluated 2026-02-01.

Conditions:
Malignant tumor of thyroid gland. Also called: Thyroid cancer. Identifiers: MedGen C0007115, MONDO:0002108.
Hereditary cancer-predisposing syndrome. Also called: Neoplastic Syndromes, Hereditary; Tumor predisposition; Hereditary Cancer Syndrome; Hereditary neoplastic syndrome. Identifiers: Orphanet 140162, MedGen C0027672, MeSH D009386, MONDO:0015356.
Familial cancer of breast. Also called: BREAST CANCER, FAMILIAL; Hereditary breast cancer; hereditary breast carcinoma. Identifiers: Orphanet 227535, MedGen C0346153, MONDO:0016419, OMIM 114480. Disease mechanism: loss of function.
Malignant tumor of breast. Also called: Malignant breast neoplasm; Cancer breast. Identifiers: MedGen C0006142, MONDO:0007254. Disease mechanism: loss of function.

Allele frequency attached by ClinVar (database versions not stated): ExAC 0.00001; gnomAD 0.00001; gnomAD exomes 0.00001 and 0.00002; TOPMed 0.00001.
gnomAD v4.1: 29 of 1,595,312 alleles (0.0018%); highest among the groups gnomAD compares: Non-Finnish European, 0.0024%; no homozygotes.

Submissions (9):

Labcorp Genetics (formerly Invitae), Labcorp
Classification: Uncertain significance for Familial cancer of breast. Last evaluated: 2026-02-01. Review status: criteria provided, single submitter. Criteria: Invitae Variant Classification Sherloc (09022015). Collection method: clinical testing. Allele origin: germline.
Comment: This sequence change replaces leucine, which is neutral and non-polar, with serine, which is neutral and polar, at codon 211 of the BARD1 protein (p.Leu211Ser). The frequency data for this variant in the population databases is considered unreliable, as metrics indicate poor data quality at this position in the gnomAD database. This missense change has been observed in individual(s) with breast cancer (PMID: 26976419). ClinVar contains an entry for this variant (Variation ID: 186956). An algorithm developed to predict the effect of missense changes on protein structure and function outputs the following: PolyPhen-2: "Possibly Damaging". The serine amino acid residue is found in multiple mammalian species, which suggests that this missense change does not adversely affect protein function. In summary, the available evidence is currently insufficient to determine the role of this variant in disease. Therefore, it has been classified as a Variant of Uncertain Significance.

Center for Genomic Medicine, Rigshospitalet, Copenhagen University Hospital
Classification: Uncertain significance. Last evaluated: 2025-12-29. Review status: criteria provided, single submitter. Criteria: ACMG Guidelines, 2015. Collection method: clinical testing. Allele origin: germline.

Color Diagnostics, LLC DBA Color Health
Classification: Uncertain significance for Hereditary cancer-predisposing syndrome. Last evaluated: 2025-08-05. Review status: criteria provided, single submitter. Criteria: ACMG Guidelines, 2015. Collection method: clinical testing. Allele origin: germline.
Comment: This missense variant replaces leucine with serine at codon 211 of the BARD1 protein. Computational predictions are inconclusive on this variant impact on protein structure and function. To our knowledge, functional studies have not been reported for this variant. This variant has been reported in an individual affected with breast cancer (PMID: 26976419). This variant also has been reported in an ovarian cancer case-control study in 1/3431 unaffected individuals and absent in cases (PMID: 26315354) and in a breast cancer case-control meta-analysis in 3/60466 cases and 6/53461 unaffected individuals (PMID: 33471991Leiden Open Variation Database DB-ID BARD1_000399). This variant has been identified in 4/264724 chromosomes in the general population by the Genome Aggregation Database (gnomAD). The available evidence is insufficient to determine the role of this variant in disease conclusively. Therefore, this variant is classified as a Variant of Uncertain Significance.

Ambry Genetics
Classification: Uncertain significance for Hereditary cancer-predisposing syndrome. Last evaluated: 2025-07-29. Review status: criteria provided, single submitter. Criteria: Ambry Variant Classification Scheme 2023. Collection method: clinical testing. Allele origin: germline.
Comment: The p.L211S variant (also known as c.632T>C), located in coding exon 4 of the BARD1 gene, results from a T to C substitution at nucleotide position 632. The leucine at codon 211 is replaced by serine, an amino acid with dissimilar properties. This variant has been reported in individuals diagnosed with breast cancer (Tung N et al. Cancer, 2015 Jan;121:25-33; Tung N et al. J. Clin. Oncol. 2016 May;34:1460-8; Young EL et al. J Med Genet, 2016 06;53:366-76). This amino acid position is well conserved in available vertebrate species. In addition, this alteration is predicted to be tolerated by in silico analysis. Based on the available evidence, the clinical significance of this variant remains unclear.

Quest Diagnostics Nichols Institute San Juan Capistrano
Classification: Uncertain significance. Last evaluated: 2024-11-22. Review status: criteria provided, single submitter. Criteria: Quest Diagnostics criteria. Collection method: clinical testing. Allele origin: unknown.
Comment: The BARD1 c.632T>C (p.Leu211Ser) variant has been reported in the published literature in individuals with a personal and/or family history of breast cancer (PMID: 26976419 (2016), 33471991 (2021); LOVD3 Shared) and in reportedly healthy individuals (PMID: 26315354 (2015), 33471991 (2021); LOVD3 Shared). This variant has also been reported in at least one individual in a breast cancer risk case-control study (PMID: 26787654) and in an individual in a hereditary cancer risk case-control study (PMID: 34326862 (2021)). The frequency of this variant in the general population, 0.000024 (3/123820 chromosomes (Genome Aggregation Database)), is uninformative in the assessment of its pathogenicity. Analysis of this variant using bioinformatics tools for the prediction of the effect of amino acid changes on protein structure and function yielded conflicting predictions that this variant is deleterious or benign. Based on the available information, we are unable to determine the clinical significance of this variant.

GeneDx
Classification: Uncertain significance. Last evaluated: 2024-08-08. Review status: criteria provided, single submitter. Criteria: GeneDx Variant Classification Process June 2021. Collection method: clinical testing. Allele origin: germline. Affected: yes.
Comment: Not observed at significant frequency in large population cohorts (gnomAD); In silico analysis supports that this missense variant has a deleterious effect on protein structure/function; Observed in individuals with a personal or family history of breast cancer, but also in healthy controls (PMID: 26315354, 25186627, 26976419, 26787654, 33471991); This variant is associated with the following publications: (PMID: 26976419, 25186627, 26315354, 26787654, 34326862, 33471991)

Fulgent Genetics
Classification: Uncertain significance for Familial cancer of breast. Last evaluated: 2021-12-08. Review status: criteria provided, single submitter. Criteria: ACMG Guidelines, 2015. Collection method: clinical testing. Allele origin: unknown.

Department of Pathology and Laboratory Medicine, Sinai Health System
Classification: Uncertain significance for Malignant tumor of thyroid gland. Review status: no assertion criteria provided. Collection method: clinical testing. Allele origin: unknown. Affected: yes. Observed: 2 variant alleles. Study: The Canadian Open Genetics Repository (COGR). Not counted in ClinVar's aggregate classification.
Comment: The BARD1 p.Leu211Ser variant was identified in 1 of 976 proband chromosomes (frequency: 0.001) from individuals or families with breast cancer (Tung_2016_26976419) as well as in 1 of 6862 chromosome (freq: 0.0001) of an unaffected control individual (Ramus_2015_26315354). The variant was also identified in the following databases: dbSNP (ID: rs762171436) as â€šÃ„ÃºWith uncertain significance alleleâ€šÃ„Ã¹, ClinVar and Clinvitae (3x as uncertain significance by Ambry Genetics, Invitae, GeneDx). The variant was not identified in Cosmic, MutDB or Zhejiang Colon Cancer Databases. The variant was identified in control databases in 1 of 30934 chromosomes at a frequency of 0.000032 (Genome Aggregation Database Feb 27, 2017). Breakdown of the observations by population include African in 1 of 8734 chromosomes (freq: 0.00011), while the variant was not observed in the Other, Latino, European Non-Finnish, Ashkenazi Jewish, East Asian, European Finnish, and South Asian populations. Although the p.Leu211 residue is not conserved in mammals and other organisms, computational analyses (PolyPhen-2, SIFT, AlignGVGD, BLOSUM, MutationTaster) suggest that the Serine variant may impact the protein. The variant occurs outside of the splicing consensus sequence and in silico or computational prediction software programs (SpliceSiteFinder, MaxEntScan, NNSPLICE, GeneSplicer, HumanSpliceFinder) do not predict a difference in splicing. In summary, based on the above information the clinical significance of this variant cannot be determined with certainty at this time. This variant is classified as a variant of uncertain significance.

Department of Pathology and Laboratory Medicine, Sinai Health System
Classification: Uncertain significance for Malignant tumor of breast. Review status: no assertion criteria provided. Collection method: clinical testing. Allele origin: unknown. Affected: yes. Observed: 2 variant alleles. Study: The Canadian Open Genetics Repository (COGR). Not counted in ClinVar's aggregate classification.
Comment: the same text as in the submission from Department of Pathology and Laboratory Medicine, Sinai Health System above.

Literature cited by the submitters: PubMed 26976419 (cited by 4 submitters); PubMed 26315354 (cited by 3 submitters); PubMed 33471991 (cited by Color Diagnostics, LLC DBA Color Health and Quest Diagnostics Nichols Institute San Juan Capistrano); PubMed 25186627 (cited by Ambry Genetics); PubMed 26787654 (cited by Ambry Genetics and Quest Diagnostics Nichols Institute San Juan Capistrano); PubMed 34326862 (cited by Quest Diagnostics Nichols Institute San Juan Capistrano).